The following is an entry in ClinVar:

ClinVar aggregate classification (germline): Uncertain significance (1 of 4 stars; one submission).

Conditions:
Duchenne muscular dystrophy (DMD). Also called: MUSCULAR DYSTROPHY, PSEUDOHYPERTROPHIC PROGRESSIVE, DUCHENNE TYPE; Duchenne Muscular Dystrophy (DMD). Identifiers: Orphanet 98896, MedGen C0013264, MONDO:0010679, OMIM 310200.

Submission:

Labcorp Genetics (formerly Invitae), Labcorp
Classification: Uncertain significance for Duchenne muscular dystrophy. Last evaluated: 2021-08-30. Review status: criteria provided, single submitter. Criteria: Invitae Variant Classification Sherloc (09022015). Collection method: clinical testing. Allele origin: germline.
Comment: This sequence change replaces arginine with leucine at codon 1577 of the DMD protein (p.Arg1577Leu). The arginine residue is highly conserved and there is a moderate physicochemical difference between arginine and leucine. This variant is not present in population databases (ExAC no frequency). This variant has not been reported in the literature in individuals affected with DMD-related conditions. Algorithms developed to predict the effect of missense changes on protein structure and function are either unavailable or do not agree on the potential impact of this missense change (SIFT: "Deleterious"; PolyPhen-2: "Possibly Damaging"; Align-GVGD: "Class C0"). In summary, the available evidence is currently insufficient to determine the role of this variant in disease. Therefore, it has been classified as a Variant of Uncertain Significance.

NM_004006.3(DMD):c.4730G>T (p.Arg1577Leu)

Gene: DMD (dystrophin; minus strand). Cytogenetic location: Xp21.1.
Variant type: single nucleotide variant.
Coding change: c.4730G>T on transcript NM_004006.3 (MANE Select); coding-DNA position 4730, G replaced by T.
Protein change: p.Arg1577Leu; replaces arginine 1577 with leucine.
Molecular consequence: missense variant.
Genome position (GRCh38, 1-based): chrX:32,380,625, C>A on the plus strand (G>T on the coding strand, the complement: DMD is on the minus strand). VCF-style: chrX-32380625-C-A. GRCh37 (hg19) VCF-style: chrX-32398742-C-A.
Other names: c.4706G>T, p.Arg1569Leu (NM_000109.4); c.4718G>T, p.Arg1573Leu (NM_004009.3); c.4361G>T, p.Arg1454Leu (NM_004010.3); c.707G>T, p.Arg236Leu (NM_004011.4); c.698G>T, p.Arg233Leu (NM_004012.4); short protein forms R1569L, R236L, R1573L, R1577L, R1454L, R233L.
Identifiers: ClinVar variation 1389650 (VCV001389650.5), dbSNP rs753830915, ClinGen allele CA412661442.
Genomic context (GRCh38, chrX:32,380,625, plus strand): 5'-CTCTTTGTCAATTCCATATCTGTAGCTGCCAGCCATTCTGTCAAGACATTCATTTCCTTT[C>A]GCATCTTACGGGACAATTTCAAGCATTTCTCCAACTGTTGCTTTCTTTCTGTTACCTGAA-3'
Protein context (NP_003997.2, residues 1567-1587): EKCLKLSRKM[Arg1577Leu]KEMNVLTEWL